The following is an entry in ClinVar:

NM_152594.3(SPRED1):c.42T>C (p.Tyr14=)

Gene: SPRED1 (sprouty related EVH1 domain containing 1; plus strand). Cytogenetic location: 15q14.
Variant type: single nucleotide variant.
Coding change: c.42T>C on transcript NM_152594.3 (MANE Select); coding-DNA position 42, T replaced by C.
Protein change: p.Tyr14=; no amino-acid change (tyrosine 14 retained).
Molecular consequence: synonymous variant.
Genome position (GRCh38, 1-based): chr15:38,299,382, T>C. VCF-style: chr15-38299382-T-C. GRCh37 (hg19) VCF-style: chr15-38591583-T-C.
Identifiers: ClinVar variation 1177280 (VCV001177280.10), dbSNP rs764234046, ClinGen allele CA7469986.
Genomic context (GRCh38, chr15:38,299,382, plus strand): 5'-CTGTTTTTTGTTTATGGAAAAGCTAATTCCTGATCTTTGCATCTATTTTAGTAATAGTTA[T>C]GCACGAGTGCGAGCTGTGGTGATGACCCGAGATGACTCAAGTGGTGGATGGTTACCACTT-3'
Protein context (NP_689807.1, residues 4-24): ETATSDNDNS[Tyr14=]ARVRAVVMTR

ClinVar aggregate classification (germline): Conflicting classifications of pathogenicity. Review status: criteria provided, conflicting classifications (1 of 4 stars). 3 submissions from 3 submitters: Uncertain significance (1); Likely benign (2). Last evaluated 2025-10-13.

Conditions:
Legius syndrome. Identifiers: Orphanet 137605, MedGen C1969623, MONDO:0012669, OMIM 611431. Disease mechanism: loss of function.
Cardiovascular phenotype. Identifiers: MedGen CN230736.

Allele frequency attached by ClinVar (database versions not stated): gnomAD exomes 0.00001 and 0.00002; ExAC 0.00002; gnomAD 0.00003; TOPMed 0.00004.
gnomAD v4.1: 15 of 1,613,854 alleles (0.00093%); highest among the groups gnomAD compares: African/African-American, 0.016%; no homozygotes.

Submissions (3):

Labcorp Genetics (formerly Invitae), Labcorp
Classification: Uncertain significance for Legius syndrome. Last evaluated: 2025-10-13. Review status: criteria provided, single submitter. Criteria: Invitae Variant Classification Sherloc (09022015). Collection method: clinical testing. Allele origin: germline.
Comment: This sequence change affects codon 14 of the SPRED1 mRNA. It is a 'silent' change, meaning that it does not change the encoded amino acid sequence of the SPRED1 protein. This variant is present in population databases (rs764234046, gnomAD 0.02%). This variant has been observed in individual(s) with clinical features of SPRED1-related conditions (PMID: 19920235). ClinVar contains an entry for this variant (Variation ID: 1177280). Algorithms developed to predict the effect of sequence changes on RNA splicing suggest that this variant is not likely to affect RNA splicing. In summary, the available evidence is currently insufficient to determine the role of this variant in disease. Therefore, it has been classified as a Variant of Uncertain Significance.

Ambry Genetics
Classification: Likely benign for Cardiovascular phenotype. Last evaluated: 2025-09-28. Review status: criteria provided, single submitter. Criteria: Ambry Variant Classification Scheme 2023. Collection method: clinical testing. Allele origin: germline.

Women's Health and Genetics/Laboratory Corporation of America, LabCorp
Classification: Likely benign. Last evaluated: 2021-07-01. Review status: criteria provided, single submitter. Criteria: LabCorp Variant Classification Summary - May 2015. Collection method: clinical testing. Allele origin: germline.
Comment: Variant summary: SPRED1 c.42T>C alters a conserved nucleotide resulting in a synonymous change. 4/4 computational tools predict no significant impact on normal splicing. However, these predictions have yet to be confirmed by functional studies. The variant allele was found at a frequency of 1.6e-05 in 251180 control chromosomes. The available data on variant occurrences in the general population are insufficient to allow any conclusion about variant significance. c.42T>C has been reported in the literature in individuals affected with Neurofibromatosis Type 1-Like Syndrome (Legius Syndrome) however the variant was ultimately considered likely benign by authors due to silent nature and lack of impact on splicing (data not provided; Messiaen_2009, Messiaen_2010. To our knowledge, no experimental evidence demonstrating an impact on protein function has been reported. No clinical diagnostic laboratories have submitted clinical-significance assessments for this variant to ClinVar after 2014. Based on the evidence outlined above, the variant was classified as likely benign.

Literature cited by the submitters: PubMed 19920235 (cited by Labcorp Genetics (formerly Invitae), Labcorp and Women's Health and Genetics/Laboratory Corporation of America, LabCorp); PubMed 20571013 (cited by Women's Health and Genetics/Laboratory Corporation of America, LabCorp).